The following is an entry in ClinVar:

ClinVar aggregate classification (germline): Uncertain significance (0 of 4 stars; one submission).

Submission:

Leiden Open Variation Database
Classification: Uncertain significance. Last evaluated: 2018-09-03. Review status: no assertion criteria provided. Collection method: curation. Allele origin: germline. Affected: yes.
Comment: Curator: Arleen D. Auerbach. Submitter to LOVD: IMGAG.

NM_032043.3(BRIP1):c.2158_2160dup (p.Val720dup)

Gene: BRIP1 (BRCA1 interacting helicase 1; minus strand). Cytogenetic location: 17q23.2.
Variant type: Duplication.
Coding change: c.2158_2160dup on transcript NM_032043.3 (MANE Select); coding-DNA positions 2158 to 2160, 3 bases duplicated (GTG; older notation c.2158_2160dupGTG).
Protein change: p.Val720dup; duplicates valine 720.
Molecular consequence: inframe insertion.
Genome position (GRCh38, 1-based): chr17:61,744,529-61,744,531, CAC duplicated on the plus strand (GTG on the coding strand, the reverse complement: BRIP1 is on the minus strand); duplicating any 3 consecutive bases within chr17:61,744,529-61,744,533 gives the same sequence; the c. name uses the placement nearest the transcript's 3' end. VCF-style (leftmost placement, unchanged base first): chr17-61744528-T-TCAC. GRCh37 (hg19) VCF-style: chr17-59821889-T-TCAC.
Identifiers: ClinVar variation 929551 (VCV000929551.1), dbSNP rs878855146, ClinGen allele CA1139665774.